The following is an entry in ClinVar:

ClinVar aggregate classification (germline): Benign (1 of 4 stars; one submission).

Conditions:
Congenital fibrosis of extraocular muscles type 1. Also called: CFEOM3B; BLEPHAROPTOSIS WITH ABSENT EYE MOVEMENTS; OPHTHALMOPLEGIA, CONGENITAL; FEOM1 LOCUS. Identifiers: MedGen C1851102, MONDO:0021083, OMIM 135700.

Allele frequency attached by ClinVar (database versions not stated): gnomAD exomes 0.00012; ExAC 0.00009; gnomAD 0.00004 and 0.00006; TOPMed 0.00005.
gnomAD v4.1: 179 of 1,613,136 alleles (0.011%); highest among the groups gnomAD compares: East Asian, 0.39%; no homozygotes.

Submission:

Illumina Laboratory Services, Illumina
Classification: Benign for Congenital fibrosis of extraocular muscles type 1. Last evaluated: 2018-01-13. Review status: criteria provided, single submitter. Criteria: ICSL Variant Classification Criteria 13 December 2019. Collection method: clinical testing. Allele origin: germline.
Comment: This variant was observed in the ICSL laboratory as part of a predisposition screen in an ostensibly healthy population. It had not been previously curated by ICSL or reported in the Human Gene Mutation Database (HGMD: prior to June 1st, 2018), and was therefore a candidate for classification through an automated scoring system. Utilizing variant allele frequency, disease prevalence and penetrance estimates, and inheritance mode, an automated score was calculated to assess if this variant is too frequent to cause the disease. Based on the score and internal cut-off values, a variant classified as benign is not then subjected to further curation. The score for this variant resulted in a classification of benign for this disease.

NM_001173464.2(KIF21A):c.1886G>T (p.Ser629Ile)

Gene: KIF21A (kinesin family member 21A; minus strand). Cytogenetic location: 12q12.
Variant type: single nucleotide variant.
Coding change: c.1886G>T on transcript NM_001173464.2 (MANE Select); coding-DNA position 1886, G replaced by T.
Protein change: p.Ser629Ile; replaces serine 629 with isoleucine.
Molecular consequence: missense variant.
Genome position (GRCh38, 1-based): chr12:39,341,540, C>A on the plus strand (G>T on the coding strand, the complement: KIF21A is on the minus strand). VCF-style: chr12-39341540-C-A. GRCh37 (hg19) VCF-style: chr12-39735342-C-A.
Other names: c.1847G>T, p.Ser616Ile (NM_001173463.2, NM_001173465.2, NM_017641.4); short protein forms S616I, S629I.
Identifiers: ClinVar variation 308575 (VCV000308575.5), dbSNP rs765856120, ClinGen allele CA6510910.